The following is an entry in ClinVar:

NM_020163.3(SEMA3G):c.2182C>T (p.Arg728Cys)

Gene: SEMA3G (semaphorin 3G; minus strand). Cytogenetic location: 3p21.1.
Variant type: single nucleotide variant.
Coding change: c.2182C>T on transcript NM_020163.3 (MANE Select); coding-DNA position 2182, C replaced by T.
Protein change: p.Arg728Cys; replaces arginine 728 with cysteine.
Molecular consequence: missense variant.
Genome position (GRCh38, 1-based): chr3:52,435,770, G>A on the plus strand (C>T on the coding strand, the complement: SEMA3G is on the minus strand). VCF-style: chr3-52435770-G-A. GRCh37 (hg19) VCF-style: chr3-52469786-G-A.
Other names: short protein forms R728C.
Identifiers: ClinVar variation 3036438 (VCV003036438.2), dbSNP rs758775695, ClinGen allele CA2437699.

ClinVar aggregate classification (germline): Uncertain significance (0 of 4 stars; one submission).

Conditions:
SEMA3G-related disorder. Also called: SEMA3G-related condition.

gnomAD v4.1: 62 of 1,613,980 alleles (0.0038%); highest among the groups gnomAD compares: Non-Finnish European, 0.003%; no homozygotes.

Submission:

PreventionGenetics, part of Exact Sciences
Classification: Uncertain significance for SEMA3G-related condition. Last evaluated: 2024-02-06. Review status: no assertion criteria provided. Collection method: clinical testing. Allele origin: germline.
Comment: The SEMA3G c.2182C>T variant is predicted to result in the amino acid substitution p.Arg728Cys. This variant has been reported in an individual with severe early-onset obesity (van der Klaauw et al. 2019. PubMed ID: 30661757). Cellular functional studies within this same report showed that the p.Arg728Cys variant causes a decrease in extracellular protein secretion and a decrease in dimerization of the protein, which the authors hypothesized was due to the disruption of an intermolecular disulfide bridge (van der Klaauw et al. 2019. PubMed ID: 30661757). This variant is reported in 0.069% of alleles in individuals of Ashkenazi Jewish descent in gnomAD. At this time, the clinical significance of this variant is uncertain due to the absence of conclusive functional and genetic evidence.